The following is an entry in ClinVar:

NM_001166114.2(PNPLA6):c.1229dup (p.Ser411fs)

Gene: PNPLA6 (patatin like domain 6, lysophospholipase; plus strand). Cytogenetic location: 19p13.2.
Variant type: Duplication.
Coding change: c.1229dup on transcript NM_001166114.2 (MANE Select); coding-DNA position 1229, one base duplicated (T; older notation c.1229dupT).
Protein change: p.Ser411fs; shifts the reading frame from serine 411.
Molecular consequence: frameshift variant.
Genome position (GRCh38, 1-based): chr19:7,542,044, T duplicated. VCF-style (leftmost placement, unchanged base first): chr19-7542043-G-GT. GRCh37 (hg19) VCF-style: chr19-7606929-G-GT.
Other names: c.1256dup, p.Ser420fs (NM_001166111.2); c.1112dup, p.Ser372fs (NM_001166112.2, NM_001166113.1, NM_006702.5); short protein forms S420fs, S372fs, S411fs.
Identifiers: ClinVar variation 1353395 (VCV001353395.6), dbSNP rs2146058319, ClinGen allele CA2573155915.

ClinVar aggregate classification (germline): Pathogenic (1 of 4 stars; one submission).

Conditions:
Hereditary spastic paraplegia 39 (SPG39). Also called: Spastic Paraplegia Type 39 (SPG39); SPASTIC PARAPLEGIA 39, AUTOSOMAL RECESSIVE. Identifiers: Orphanet 139480, MedGen C2677586, MONDO:0012787, OMIM 612020.

Submission:

Labcorp Genetics (formerly Invitae), Labcorp
Classification: Pathogenic for Hereditary spastic paraplegia 39. Last evaluated: 2020-10-30. Review status: criteria provided, single submitter. Criteria: Invitae Variant Classification Sherloc (09022015). Collection method: clinical testing. Allele origin: germline.
Comment: For these reasons, this variant has been classified as Pathogenic. This variant has not been reported in the literature in individuals with PNPLA6-related conditions. This variant is not present in population databases (ExAC no frequency). This sequence change creates a premature translational stop signal (p.Ser372Leufs*22) in the PNPLA6 gene. It is expected to result in an absent or disrupted protein product. Loss-of-function variants in PNPLA6 are known to be pathogenic (PMID: 24355708).

Literature cited by the submitters: PubMed 24355708.